The following is an entry in ClinVar:

NM_000091.5(COL4A3):c.3816T>C (p.Ser1272=)

Genes: COL4A3 (collagen type IV alpha 3 chain; plus strand), MFF-DT (MFF divergent transcript; minus strand). Cytogenetic location: 2q36.3.
Variant type: single nucleotide variant.
Coding change: c.3816T>C on transcript NM_000091.5 (MANE Select); coding-DNA position 3816, T replaced by C.
Protein change: p.Ser1272=; no amino-acid change (serine 1272 retained).
Molecular consequence: synonymous variant.
Genome position (GRCh38, 1-based): chr2:227,298,746, T>C. VCF-style: chr2-227298746-T-C. GRCh37 (hg19) VCF-style: chr2-228163462-T-C.
Other names: c.3816T>C (NM_000091.4).
Identifiers: ClinVar variation 1152330 (VCV001152330.13), dbSNP rs376887131, ClinGen allele CA2147358.
Genomic context (GRCh38, chr2:227,298,746, plus strand): 5'-GCCTGGTCCCCCTGGACCTCCAGGGAGTCATGTAATAGGCATAAAAGGAGACAAAGGGTC[T>C]ATGGGCCACCCTGGCCCAAAAGGTCCACCTGGAACTGCAGGAGACATGGGACCACCAGGT-3'
Protein context (NP_000082.2, residues 1262-1282): HVIGIKGDKG[Ser1272=]MGHPGPKGPP

ClinVar aggregate classification (germline): Likely benign. Review status: criteria provided, multiple submitters, no conflicts (2 of 4 stars). 4 submissions from 4 submitters: Likely benign (3). 1 of the submissions does not count toward it. Last evaluated 2026-01-18.

Conditions:
COL4A3-related disorder. Also called: COL4A3-related condition; COL4A3-Related Disorders.
Autosomal dominant Alport syndrome (ATS3A). Also called: Alport syndrome dominant type; Renal failure and sensorineural hearing loss; ALPORT SYNDROME 3A, AUTOSOMAL DOMINANT. Identifiers: Orphanet 63, Orphanet 88918, MedGen C5882663, MONDO:0007086, OMIM 104200.
Autosomal recessive Alport syndrome (ATS2). Also called: COL4A4 Alport Syndrome and Thin Basement Membrane Nephropathy; ALPORT SYNDROME 2, AUTOSOMAL RECESSIVE; Alport syndrome type 2; COL4A3-Related Nephropathy. Identifiers: Orphanet 63, Orphanet 88919, MedGen C4746745, MONDO:0008762, OMIM 203780.
Benign familial hematuria. Also called: thin basement membrane disease. Identifiers: MedGen C0241908, MONDO:0957317.

Allele frequency attached by ClinVar (database versions not stated): ExAC 0.00001; gnomAD 0.00001; TOPMed 0.00001; gnomAD exomes 0.00002 and below 0.00001.
gnomAD v4.1: 16 of 1,613,962 alleles (0.00099%); highest among the groups gnomAD compares: East Asian, 0.0089%; no homozygotes.

Submissions (4):

Labcorp Genetics (formerly Invitae), Labcorp
Classification: Likely benign. Last evaluated: 2026-01-18. Review status: criteria provided, single submitter. Criteria: Invitae Variant Classification Sherloc (09022015). Collection method: clinical testing. Allele origin: germline.

Blueprint Genetics
Classification: Likely benign. Last evaluated: 2024-09-20. Review status: criteria provided, single submitter. Criteria: ACMG Guidelines, 2015. Collection method: clinical testing. Allele origin: germline.

Fulgent Genetics
Classification: Likely benign for Autosomal dominant Alport syndrome; Hematuria, benign familial, 1; Autosomal recessive Alport syndrome. Last evaluated: 2022-04-15. Review status: criteria provided, single submitter. Criteria: ACMG Guidelines, 2015. Collection method: clinical testing. Allele origin: unknown.

PreventionGenetics, part of Exact Sciences
Classification: Likely benign for COL4A3-related condition. Last evaluated: 2022-12-20. Review status: no assertion criteria provided. Collection method: clinical testing. Allele origin: germline. Not counted in ClinVar's aggregate classification.
Comment: This variant is classified as likely benign based on ACMG/AMP sequence variant interpretation guidelines (Richards et al. 2015 PMID: 25741868, with internal and published modifications).